The following is an entry in ClinVar:

ClinVar aggregate classification (germline): Uncertain significance (1 of 4 stars; one submission).

gnomAD v4.1: 3 of 1,613,990 alleles (0.00019%); highest among the groups gnomAD compares: African/African-American, 0.0013%; no homozygotes.

Submission:

Mayo Clinic Laboratories, Mayo Clinic
Classification: Uncertain significance. Last evaluated: 2025-01-12. Review status: criteria provided, single submitter. Criteria: ACMG Guidelines, 2015. Collection method: clinical testing. Allele origin: germline. Observed: 1 variant allele.
Comment: PM2_supporting

NM_014363.6(SACS):c.2855A>G (p.His952Arg)

Gene: SACS (sacsin molecular chaperone; minus strand). Cytogenetic location: 13q12.12.
Variant type: single nucleotide variant.
Coding change: c.2855A>G on transcript NM_014363.6 (MANE Select); coding-DNA position 2855, A replaced by G.
Protein change: p.His952Arg; replaces histidine 952 with arginine.
Molecular consequence: missense variant.
Genome position (GRCh38, 1-based): chr13:23,341,021, T>C on the plus strand (A>G on the coding strand, the complement: SACS is on the minus strand). VCF-style: chr13-23341021-T-C. GRCh37 (hg19) VCF-style: chr13-23915160-T-C.
Other names: p.His952Arg; c.2414A>G, p.His805Arg (NM_001278055.2); c.2882A>G, p.His961Arg (NM_001437336.1); short protein forms H805R, H952R, H961R.
Identifiers: ClinVar variation 4541766 (VCV004541766.1).
Genomic context (GRCh38, chr13:23,341,021, plus strand): 5'-TCATCACTACTGTCTATTACTGAAATAGAAAGTCGCAGATCTGCTGGGAGTTTGGCAGTA[T>C]GGTGTAAGACTTTACAACCTTTCAATTTTGTATAAGAGGAAATTCCCTGATCAGAAGAAT-3'
Protein context (NP_055178.3, residues 942-962): TKLKGCKVLH[His952Arg]TAKLPADLRL